The following is an entry in ClinVar:

ClinVar aggregate classification (germline): Uncertain significance (1 of 4 stars; one submission).

Allele frequency attached by ClinVar (database versions not stated): gnomAD 0.00001.

Submission:

Labcorp Genetics (formerly Invitae), Labcorp
Classification: Uncertain significance. Last evaluated: 2022-10-28. Review status: criteria provided, single submitter. Criteria: Invitae Variant Classification Sherloc (09022015). Collection method: clinical testing. Allele origin: germline.
Comment: In summary, the available evidence is currently insufficient to determine the role of this variant in disease. Therefore, it has been classified as a Variant of Uncertain Significance. Algorithms developed to predict the effect of missense changes on protein structure and function are either unavailable or do not agree on the potential impact of this missense change (SIFT: "Deleterious"; PolyPhen-2: "Benign"; Align-GVGD: "Class C35"). This variant has not been reported in the literature in individuals affected with GRM7-related conditions. This variant is present in population databases (no rsID available, gnomAD 0.01%). This sequence change replaces histidine, which is basic and polar, with tyrosine, which is neutral and polar, at codon 735 of the GRM7 protein (p.His735Tyr).

NM_000844.4(GRM7):c.2203C>T (p.His735Tyr)

Gene: GRM7 (glutamate metabotropic receptor 7; plus strand). Cytogenetic location: 3p26.1.
Variant type: single nucleotide variant.
Coding change: c.2203C>T on transcript NM_000844.4 (MANE Select); coding-DNA position 2203, C replaced by T.
Protein change: p.His735Tyr; replaces histidine 735 with tyrosine.
Molecular consequence: missense variant.
Genome position (GRCh38, 1-based): chr3:7,579,109, C>T. VCF-style: chr3-7579109-C-T. GRCh37 (hg19) VCF-style: chr3-7620796-C-T.
Other names: c.2203C>T, p.His735Tyr (NM_181874.3); short protein forms H735Y.
Identifiers: ClinVar variation 2040193 (VCV002040193.4), dbSNP rs1231952296, ClinGen allele CA351800683.